The following is an entry in ClinVar:

NM_001849.4(COL6A2):c.1418C>A (p.Pro473His)

Gene: COL6A2 (collagen type VI alpha 2 chain; plus strand). Cytogenetic location: 21q22.3.
Variant type: single nucleotide variant.
Coding change: c.1418C>A on transcript NM_001849.4 (MANE Select); coding-DNA position 1418, C replaced by A.
Protein change: p.Pro473His; replaces proline 473 with histidine.
Molecular consequence: missense variant.
Genome position (GRCh38, 1-based): chr21:46,121,083, C>A. VCF-style: chr21-46121083-C-A. GRCh37 (hg19) VCF-style: chr21-47540997-C-A.
Other names: c.1418C>A, p.Pro473His (NM_058174.3, NM_058175.3); short protein forms P473H.
Identifiers: ClinVar variation 1351532 (VCV001351532.8), dbSNP rs1472257957, ClinGen allele CA410531454.

ClinVar aggregate classification (germline): Uncertain significance (1 of 4 stars; one submission).

Conditions:
Bethlem myopathy 1A. Also called: MYOPATHY, BENIGN CONGENITAL, WITH CONTRACTURES; Bethlem Muscular Dystrophy; Bethlem myopathy 1. Identifiers: Orphanet 610, MedGen CN029274, MONDO:0024530, OMIM 158810.

Allele frequency attached by ClinVar (database versions not stated): TOPMed 0.00001.

Submission:

Labcorp Genetics (formerly Invitae), Labcorp
Classification: Uncertain significance for Bethlem myopathy 1A. Last evaluated: 2026-02-01. Review status: criteria provided, single submitter. Criteria: Invitae Variant Classification Sherloc (09022015). Collection method: clinical testing. Allele origin: germline.
Comment: This sequence change replaces proline, which is neutral and non-polar, with histidine, which is basic and polar, at codon 473 of the COL6A2 protein (p.Pro473His). This variant is not present in population databases (gnomAD no frequency). This variant has not been reported in the literature in individuals affected with COL6A2-related conditions. ClinVar contains an entry for this variant (Variation ID: 1351532). Invitae Evidence Modeling of protein sequence and biophysical properties (such as structural, functional, and spatial information, amino acid conservation, physicochemical variation, residue mobility, and thermodynamic stability) indicates that this missense variant is expected to disrupt COL6A2 protein function with a positive predictive value of 80%. In summary, the available evidence is currently insufficient to determine the role of this variant in disease. Therefore, it has been classified as a Variant of Uncertain Significance.